The following is an entry in ClinVar:

NM_001080421.3(UNC13A):c.3135C>T (p.Leu1045=)

Gene: UNC13A (unc-13 homolog A; minus strand). Cytogenetic location: 19p13.11.
Variant type: single nucleotide variant.
Coding change: c.3135C>T on transcript NM_001080421.3 (MANE Select); coding-DNA position 3135, C replaced by T.
Protein change: p.Leu1045=; no amino-acid change (leucine 1045 retained).
Molecular consequence: synonymous variant.
Genome position (GRCh38, 1-based): chr19:17,636,104, G>A on the plus strand (C>T on the coding strand, the complement: UNC13A is on the minus strand). VCF-style: chr19-17636104-G-A. GRCh37 (hg19) VCF-style: chr19-17746913-G-A.
Other names: c.3129C>T, p.Leu1043= (NM_001387021.1, NM_001387022.1, NM_001387023.1).
Identifiers: ClinVar variation 3052085 (VCV003052085.2), dbSNP rs111508522, ClinGen allele CA9298082.

ClinVar aggregate classification (germline): Likely benign (0 of 4 stars; one submission).

Conditions:
UNC13A-related disorder. Also called: UNC13A-related condition.

Allele frequency attached by ClinVar (database versions not stated): gnomAD exomes 0.00008; ExAC 0.00028; ESP Exome Variant Server 0.00057; gnomAD 0.00080; TOPMed 0.00089; 1000 Genomes Project 30x 0.00094; 1000 Genomes Project 0.00120.
gnomAD v4.1: 246 of 1,609,318 alleles (0.015%); highest among the groups gnomAD compares: African/African-American, 0.28%; no homozygotes.

Submission:

PreventionGenetics, part of Exact Sciences
Classification: Likely benign for UNC13A-related condition. Last evaluated: 2022-12-23. Review status: no assertion criteria provided. Collection method: clinical testing. Allele origin: germline.
Comment: This variant is classified as likely benign based on ACMG/AMP sequence variant interpretation guidelines (Richards et al. 2015 PMID: 25741868, with internal and published modifications).